The following is an entry in ClinVar:

ClinVar aggregate classification (germline): Uncertain significance. Review status: criteria provided, multiple submitters, no conflicts (2 of 4 stars). 2 submissions from 2 submitters: Uncertain significance (2). Last evaluated 2025-11-03.

Conditions:
Hereditary cancer-predisposing syndrome. Also called: Tumor predisposition; Hereditary neoplastic syndrome; Neoplastic Syndromes, Hereditary; Hereditary Cancer Syndrome. Identifiers: Orphanet 140162, MedGen C0027672, MeSH D009386, MONDO:0015356.
Familial cancer of breast. Also called: BREAST CANCER, FAMILIAL; Hereditary breast cancer; hereditary breast carcinoma. Identifiers: Orphanet 227535, MedGen C0346153, MONDO:0016419, OMIM 114480. Disease mechanism: loss of function.

Allele frequency attached by ClinVar (database versions not stated): gnomAD exomes below 0.00001; TOPMed below 0.00001; ExAC 0.00001; gnomAD 0.00001.
gnomAD v4.1: 6 of 1,599,956 alleles (0.00038%); highest among the groups gnomAD compares: East Asian, 0.0022%; no homozygotes.

Submissions (2):

Labcorp Genetics (formerly Invitae), Labcorp
Classification: Uncertain significance for Familial cancer of breast. Last evaluated: 2025-11-03. Review status: criteria provided, single submitter. Criteria: Invitae Variant Classification Sherloc (09022015). Collection method: clinical testing. Allele origin: germline.
Comment: This sequence change replaces alanine, which is neutral and non-polar, with valine, which is neutral and non-polar, at codon 198 of the BARD1 protein (p.Ala198Val). This variant is present in population databases (rs751357679, gnomAD 0.007%). This variant has not been reported in the literature in individuals affected with BARD1-related conditions. ClinVar contains an entry for this variant (Variation ID: 959475). An algorithm developed to predict the effect of missense changes on protein structure and function outputs the following: PolyPhen-2: "Benign". The valine amino acid residue is found in multiple mammalian species, which suggests that this missense change does not adversely affect protein function. RNA analysis performed to evaluate the impact of this missense change on mRNA splicing indicates it does not significantly alter splicing (internal data). In summary, the available evidence is currently insufficient to determine the role of this variant in disease. Therefore, it has been classified as a Variant of Uncertain Significance.

Ambry Genetics
Classification: Uncertain significance for Hereditary cancer-predisposing syndrome. Last evaluated: 2023-05-14. Review status: criteria provided, single submitter. Criteria: Ambry Variant Classification Scheme 2023. Collection method: clinical testing. Allele origin: germline.
Comment: The p.A198V variant (also known as c.593C>T), located in coding exon 4 of the BARD1 gene, results from a C to T substitution at nucleotide position 593. The alanine at codon 198 is replaced by valine, an amino acid with similar properties. This amino acid position is conserved. In addition, this alteration is predicted to be tolerated by in silico analysis. Since supporting evidence is limited at this time, the clinical significance of this alteration remains unclear.

NM_000465.4(BARD1):c.593C>T (p.Ala198Val)

Gene: BARD1 (BRCA1 associated RING domain 1; minus strand). Cytogenetic location: 2q35.
Variant type: single nucleotide variant.
Coding change: c.593C>T on transcript NM_000465.4 (MANE Select); coding-DNA position 593, C replaced by T.
Protein change: p.Ala198Val; replaces alanine 198 with valine.
Molecular consequence: missense variant. On other transcripts: non-coding transcript variant (2), intron variant (3).
Genome position (GRCh38, 1-based): chr2:214,781,281, G>A on the plus strand (C>T on the coding strand, the complement: BARD1 is on the minus strand). VCF-style: chr2-214781281-G-A. GRCh37 (hg19) VCF-style: chr2-215646005-G-A.
Other names: c.536C>T, p.Ala179Val (NM_001282543.2); c.158+28131C>T (NM_001282548.2); c.215+15780C>T (NM_001282545.2); c.364+11016C>T (NM_001282549.2); c.593C>T (NM_000465.2); short protein forms A179V, A198V.
Identifiers: ClinVar variation 959475 (VCV000959475.15), dbSNP rs751357679, ClinGen allele CA2090404.